The following is an entry in ClinVar:

ClinVar aggregate classification (germline): Uncertain significance (1 of 4 stars; one submission).

gnomAD v4.1: 11 of 1,613,274 alleles (0.00068%); highest among the groups gnomAD compares: Non-Finnish European, 0.00093%; no homozygotes.

Submission:

Labcorp Genetics (formerly Invitae), Labcorp
Classification: Uncertain significance. Last evaluated: 2022-05-12. Review status: criteria provided, single submitter. Criteria: Invitae Variant Classification Sherloc (09022015). Collection method: clinical testing. Allele origin: germline.
Comment: This variant is not present in population databases (gnomAD no frequency). This sequence change replaces arginine, which is basic and polar, with leucine, which is neutral and non-polar, at codon 23 of the TYROBP protein (p.Arg23Leu). This variant has not been reported in the literature in individuals affected with TYROBP-related conditions. In summary, the available evidence is currently insufficient to determine the role of this variant in disease. Therefore, it has been classified as a Variant of Uncertain Significance. Algorithms developed to predict the effect of missense changes on protein structure and function are either unavailable or do not agree on the potential impact of this missense change (SIFT: "Not Available"; PolyPhen-2: "Benign"; Align-GVGD: "Not Available").

NM_003332.4(TYROBP):c.68G>T (p.Arg23Leu)

Gene: TYROBP (transmembrane immune signaling adaptor TYROBP; minus strand). Cytogenetic location: 19q13.12.
Variant type: single nucleotide variant.
Coding change: c.68G>T on transcript NM_003332.4 (MANE Select); coding-DNA position 68, G replaced by T.
Protein change: p.Arg23Leu; replaces arginine 23 with leucine.
Molecular consequence: missense variant. On other transcripts: intron variant (2).
Genome position (GRCh38, 1-based): chr19:35,907,756, C>A on the plus strand (G>T on the coding strand, the complement: TYROBP is on the minus strand). VCF-style: chr19-35907756-C-A. GRCh37 (hg19) VCF-style: chr19-36398658-C-A.
Other names: c.68G>T, p.Arg23Leu (NM_198125.3); c.62-176G>T (NM_001173515.2, NM_001173514.2); short protein forms R23L.
Identifiers: ClinVar variation 1961029 (VCV001961029.5), dbSNP rs79272253, ClinGen allele CA405388903.
Genomic context (GRCh38, chr19:35,907,756, plus strand): 5'-AGGTAGAGAGAGGGACTGCTGGGTCTAGGCCTACCGCTCTGGGCCTGGGCCTGGACAGGA[C>A]GGAGACCTGAGGAGGAAAAAGAAGGTAAACTGAGGCACAGAGTTATGACGGGGGTGGGGG-3'
Protein context (NP_003323.1, residues 13-33): LPLLLAVSGL[Arg23Leu]PVQAQAQSDC